The following is an entry in ClinVar:

NM_006206.6(PDGFRA):c.50G>A (p.Gly17Glu)

Gene: PDGFRA (platelet derived growth factor receptor alpha; plus strand). Cytogenetic location: 4q12.
Variant type: single nucleotide variant.
Coding change: c.50G>A on transcript NM_006206.6 (MANE Select); coding-DNA position 50, G replaced by A.
Protein change: p.Gly17Glu; replaces glycine 17 with glutamic acid.
Molecular consequence: missense variant.
Genome position (GRCh38, 1-based): chr4:54,261,095, G>A. VCF-style: chr4-54261095-G-A. GRCh37 (hg19) VCF-style: chr4-55127262-G-A.
Other names: c.50G>A, p.Gly17Glu (NM_001347827.2, NM_001347829.2); c.125G>A, p.Gly42Glu (NM_001347828.2); c.89G>A, p.Gly30Glu (NM_001347830.2); short protein forms G17E, G30E, G42E.
Identifiers: ClinVar variation 1439344 (VCV001439344.8), dbSNP rs766600687, ClinGen allele CA356888143.

ClinVar aggregate classification (germline): Uncertain significance (1 of 4 stars; one submission).

Conditions:
Gastrointestinal stromal tumor. Also called: Gastrointestinal stroma tumor; Gastrointestinal stromal tumor, somatic. Identifiers: Orphanet 44890, MedGen C0238198, MeSH D046152, MONDO:0011719, OMIM 606764, HP:0100723.

gnomAD v4.1: 1 of 1,613,966 alleles (0.000062%); no homozygotes.

Submission:

Labcorp Genetics (formerly Invitae), Labcorp
Classification: Uncertain significance for Gastrointestinal stromal tumor. Last evaluated: 2020-12-21. Review status: criteria provided, single submitter. Criteria: Invitae Variant Classification Sherloc (09022015). Collection method: clinical testing. Allele origin: germline.
Comment: In summary, the available evidence is currently insufficient to determine the role of this variant in disease. Therefore, it has been classified as a Variant of Uncertain Significance. Algorithms developed to predict the effect of missense changes on protein structure and function output the following: SIFT: "Deleterious"; PolyPhen-2: "Benign"; Align-GVGD: "Class C0". The glutamic acid amino acid residue is found in multiple mammalian species, suggesting that this missense change does not adversely affect protein function. These predictions have not been confirmed by published functional studies and their clinical significance is uncertain. This variant has not been reported in the literature in individuals with PDGFRA-related conditions. This variant is not present in population databases (ExAC no frequency). This sequence change replaces glycine with glutamic acid at codon 17 of the PDGFRA protein (p.Gly17Glu). The glycine residue is moderately conserved and there is a moderate physicochemical difference between glycine and glutamic acid.